The following is an entry in ClinVar:

NM_000089.4(COL1A2):c.1090-4A>G

Gene: COL1A2 (collagen type I alpha 2 chain; plus strand). Cytogenetic location: 7q21.3.
Variant type: single nucleotide variant.
Coding change: c.1090-4A>G on transcript NM_000089.4 (MANE Select); 4 bases into the intron before coding-DNA position 1090, A replaced by G.
Molecular consequence: intron variant.
Genome position (GRCh38, 1-based): chr7:94,410,416, A>G. VCF-style: chr7-94410416-A-G. GRCh37 (hg19) VCF-style: chr7-94039728-A-G.
Identifiers: ClinVar variation 3495241 (VCV003495241.1).

ClinVar aggregate classification (germline): Uncertain significance (1 of 4 stars; one submission).

Conditions:
Cardiovascular phenotype. Identifiers: MedGen CN230736.

Submission:

Ambry Genetics
Classification: Uncertain significance for Cardiovascular phenotype. Last evaluated: 2024-08-15. Review status: criteria provided, single submitter. Criteria: Ambry Variant Classification Scheme 2023. Collection method: clinical testing. Allele origin: germline.
Comment: The c.1090-4A>G intronic variant results from an A to G substitution 4 nucleotides upstream from coding exon 21 in the COL1A2 gene. This nucleotide position is not well conserved in available vertebrate species. In silico splice site analysis predicts that this alteration will result in the creation or strengthening of a novel splice acceptor site. Based on the available evidence, the clinical significance of this variant remains unclear.